The following is an entry in ClinVar:

NM_004172.5(SLC1A3):c.1094+8T>A

Genes: SLC1A3 (solute carrier family 1 member 3; plus strand), SLC1A3-AS1 (SLC1A3 antisense RNA 1; minus strand). Cytogenetic location: 5p13.2.
Variant type: single nucleotide variant.
Coding change: c.1094+8T>A on transcript NM_004172.5 (MANE Select); 8 bases into the intron after coding-DNA position 1094, T replaced by A.
Molecular consequence: intron variant.
Genome position (GRCh38, 1-based): chr5:36,679,868, T>A. VCF-style: chr5-36679868-T-A. GRCh37 (hg19) VCF-style: chr5-36679970-T-A.
Other names: c.1094+8T>A (NM_001438455.1, NM_001438456.1, NM_001438454.1 and 3 more transcripts); c.812+8T>A (NM_001438460.1); c.794+8T>A (NM_001438461.1); c.773+8T>A (NM_001438462.1); c.1235+8T>A (NM_001438458.1); c.758+8T>A (NM_001289940.2); c.956+8T>A (NM_001289939.2).
Identifiers: ClinVar variation 5003113 (VCV005003113.1).

ClinVar aggregate classification (germline): Uncertain significance (1 of 4 stars; one submission).

Conditions:
Episodic ataxia type 6. Identifiers: Orphanet 209967, MedGen C2675211, MONDO:0012982, OMIM 612656.

gnomAD v4.1: 1 of 1,593,200 alleles (0.000063%); highest among the groups gnomAD compares: Non-Finnish European, 0.000086%; no homozygotes.

Submission:

OLLIN Analises Genomicas, OLLIN
Classification: Uncertain significance for Episodic ataxia type 6. Last evaluated: 2026-08-06. Review status: criteria provided, single submitter. Criteria: ACMG Guidelines 2015 PMID 25741868. Collection method: clinical testing. Allele origin: germline.
Comment: This variant, has been observed in gnomAD with an allele frequency of 0.000063%, but has not been reported in ClinVar or identified in the literature. According to the currently available evidence, this variant has been classified as uncertain significance (PM2_P, PP3).